The following is an entry in ClinVar:

ClinVar aggregate classification (germline): Uncertain significance (1 of 4 stars; one submission).

Conditions:
Cardiovascular phenotype. Identifiers: MedGen CN230736.

Allele frequency attached by ClinVar (database versions not stated): TOPMed below 0.00001; gnomAD 0.00001.
gnomAD v4.1: 1 of 1,614,058 alleles (0.000062%); highest among the groups gnomAD compares: Non-Finnish European, 0.000085%; no homozygotes.

Submission:

Ambry Genetics
Classification: Uncertain significance for Cardiovascular phenotype. Last evaluated: 2021-09-16. Review status: criteria provided, single submitter. Criteria: Ambry Variant Classification Scheme 2023. Collection method: clinical testing. Allele origin: germline.
Comment: The p.G479R variant (also known as c.1435G>C), located in coding exon 11 of the ABCA1 gene, results from a G to C substitution at nucleotide position 1435. The glycine at codon 479 is replaced by arginine, an amino acid with dissimilar properties. This amino acid position is conserved. In addition, the in silico prediction for this alteration is inconclusive. Since supporting evidence is limited at this time, the clinical significance of this alteration remains unclear.

NM_005502.4(ABCA1):c.1435G>C (p.Gly479Arg)

Gene: ABCA1 (ATP binding cassette subfamily A member 1; minus strand). Cytogenetic location: 9q31.1.
Variant type: single nucleotide variant.
Coding change: c.1435G>C on transcript NM_005502.4 (MANE Select); coding-DNA position 1435, G replaced by C.
Protein change: p.Gly479Arg; replaces glycine 479 with arginine.
Molecular consequence: missense variant.
Genome position (GRCh38, 1-based): chr9:104,832,648, C>G on the plus strand (G>C on the coding strand, the complement: ABCA1 is on the minus strand). VCF-style: chr9-104832648-C-G. GRCh37 (hg19) VCF-style: chr9-107594929-C-G.
Other names: short protein forms G479R.
Identifiers: ClinVar variation 1772608 (VCV001772608.2), dbSNP rs1366818370, ClinGen allele CA374325613.